The following is an entry in ClinVar:

NM_201384.3(PLEC):c.6953C>T (p.Ala2318Val)

Gene: PLEC (plectin; minus strand). Cytogenetic location: 8q24.3.
Variant type: single nucleotide variant.
Coding change: c.6953C>T on transcript NM_201384.3 (MANE Select); coding-DNA position 6953, C replaced by T.
Protein change: p.Ala2318Val; replaces alanine 2318 with valine.
Molecular consequence: missense variant.
Genome position (GRCh38, 1-based): chr8:143,922,976, G>A on the plus strand (C>T on the coding strand, the complement: PLEC is on the minus strand). VCF-style: chr8-143922976-G-A. GRCh37 (hg19) VCF-style: chr8-144997144-G-A.
Other names: c.7034C>T (NM_000445.3); c.7034C>T, p.Ala2345Val (NM_000445.5); c.6911C>T, p.Ala2304Val (NM_201378.4); c.6887C>T, p.Ala2296Val (NM_201379.3); c.7364C>T, p.Ala2455Val (NM_201380.4); c.6857C>T, p.Ala2286Val (NM_201381.3); c.6953C>T, p.Ala2318Val (NM_201382.4); c.6965C>T, p.Ala2322Val (NM_201383.3); short protein forms A2286V, A2322V, A2345V, A2318V, A2296V, A2304V, A2455V.
Identifiers: ClinVar variation 646240 (VCV000646240.12), dbSNP rs377223579, ClinGen allele CA4925801.
Genomic context (GRCh38, chr8:143,922,976, plus strand): 5'-AGCTCCTTCTGCTGCTGCAGCAGTTCCGCCTCAGCCTTGAGTCGCGTGGCCTCCTGCACC[G>A]CCTGCATCTTCTCCTTGAGCATCTTCTCTGCCAAGGCCCGCTGCTGTGCCAGGTCCTCCT-3'
Protein context (NP_958786.1, residues 2308-2328): AEKMLKEKMQ[Ala2318Val]VQEATRLKAE

ClinVar aggregate classification (germline): Uncertain significance. Review status: criteria provided, multiple submitters, no conflicts (2 of 4 stars). 3 submissions from 3 submitters: Uncertain significance (3). Last evaluated 2026-01-05.

Conditions:
Epidermolysis bullosa simplex, Ogna type (EBS5A). Also called: Pidermolysis bullosa simplex 5A, Ogna type; EPIDERMOLYSIS BULLOSA SIMPLEX 5A, OGNA TYPE. Identifiers: Orphanet 79401, MedGen C0432317, MONDO:0007555, OMIM 131950.
Autosomal recessive limb-girdle muscular dystrophy type 2Q (LGMDR17). Also called: MUSCULAR DYSTROPHY, LIMB-GIRDLE, AUTOSOMAL RECESSIVE 17. Identifiers: Orphanet 254361, MedGen C3150989, MONDO:0013390, OMIM 613723.
Epidermolysis bullosa simplex with nail dystrophy (EBS5D). Identifiers: MedGen C4225309, MONDO:0014661, OMIM 616487.
Epidermolysis bullosa simplex 5B, with muscular dystrophy (EBS5B). Also called: Epidermolysis bullosa simplex with muscular dystrophy; EPIDERMOLYSIS BULLOSA SIMPLEX AND LIMB-GIRDLE MUSCULAR DYSTROPHY. Identifiers: Orphanet 257, MedGen C2931072, MONDO:0009181, OMIM 226670.
Epidermolysis bullosa simplex 5C, with pyloric atresia (EBS5C). Also called: PLEC-Related Epidermolysis Bullosa with Pyloric Atresia; Epidermolysis bullosa simplex with pyloric atresia; PLEC1-Related Epidermolysis Bullosa with Pyloric Atresia. Identifiers: Orphanet 158684, MedGen C2677349, MONDO:0012807, OMIM 612138.
Inborn genetic diseases. Identifiers: MedGen C0950123, MeSH D030342.

Allele frequency attached by ClinVar (database versions not stated): ExAC 0.00002; gnomAD exomes 0.00003 and 0.00006; gnomAD 0.00004; TOPMed 0.00005; ESP Exome Variant Server 0.00008.
gnomAD v4.1: 95 of 1,611,050 alleles (0.0059%); highest among the groups gnomAD compares: Non-Finnish European, 0.0071%; no homozygotes.

Submissions (4):

Labcorp Genetics (formerly Invitae), Labcorp
Classification: Uncertain significance for Autosomal recessive limb-girdle muscular dystrophy type 2Q; Epidermolysis bullosa simplex, Ogna type; Epidermolysis bullosa simplex with nail dystrophy; Epidermolysis bullosa simplex 5C, with pyloric atresia; Epidermolysis bullosa simplex 5B, with muscular dystrophy. Last evaluated: 2026-01-05. Review status: criteria provided, single submitter. Criteria: Invitae Variant Classification Sherloc (09022015). Collection method: clinical testing. Allele origin: germline.
Comment: This sequence change replaces alanine, which is neutral and non-polar, with valine, which is neutral and non-polar, at codon 2345 of the PLEC protein (p.Ala2345Val). This variant is present in population databases (rs377223579, gnomAD 0.02%). This missense change has been observed in individual(s) with clinical features of PLEC-related conditions (internal data). ClinVar contains an entry for this variant (Variation ID: 646240). An algorithm developed to predict the effect of missense changes on protein structure and function (PolyPhen-2) suggests that this variant is likely to be disruptive. In summary, the available evidence is currently insufficient to determine the role of this variant in disease. Therefore, it has been classified as a Variant of Uncertain Significance.

Ambry Genetics
Classification: Uncertain significance for Inborn genetic diseases. Last evaluated: 2025-05-28. Review status: criteria provided, single submitter. Criteria: Ambry Variant Classification Scheme 2023. Collection method: clinical testing. Allele origin: germline.

Revvity Omics, Revvity
Classification: Uncertain significance. Last evaluated: 2024-08-28. Review status: criteria provided, single submitter. Criteria: ACMG Guidelines, 2015. Collection method: clinical testing. Allele origin: germline.

Dr. Peter K. Rogan Lab, Western University
No classification provided (evidence only). Condition: Malignant tumor of urinary bladder. Review status: no classification provided. Collection method: in vitro. Allele origin: not applicable. Functional consequence: retained intron. Not counted in ClinVar's aggregate classification.